The following is an entry in ClinVar:

ClinVar aggregate classification (germline): Uncertain significance (1 of 4 stars; one submission).

Submission:

Ambry Genetics
Classification: Uncertain significance. Last evaluated: 2021-10-26. Review status: criteria provided, single submitter. Criteria: Ambry Variant Classification Scheme 2023. Collection method: clinical testing. Allele origin: germline.
Comment: The p.Q62E variant (also known as c.184C>G), located in coding exon 3 of the FAM175A gene, results from a C to G substitution at nucleotide position 184. The glutamine at codon 62 is replaced by glutamic acid, an amino acid with highly similar properties. This amino acid position is conserved. In addition, the in silico prediction for this alteration is inconclusive. Since supporting evidence is limited at this time, the clinical significance of this alteration remains unclear.

NM_139076.3(ABRAXAS1):c.184C>G (p.Gln62Glu)

Gene: ABRAXAS1 (abraxas 1, BRCA1 A complex subunit; minus strand). Cytogenetic location: 4q21.23.
Variant type: single nucleotide variant.
Coding change: c.184C>G on transcript NM_139076.3 (MANE Select); coding-DNA position 184, C replaced by G.
Protein change: p.Gln62Glu; replaces glutamine 62 with glutamic acid.
Molecular consequence: missense variant. On other transcripts: 5 prime UTR variant (1).
Genome position (GRCh38, 1-based): chr4:83,476,674, G>C on the plus strand (C>G on the coding strand, the complement: ABRAXAS1 is on the minus strand). VCF-style: chr4-83476674-G-C. GRCh37 (hg19) VCF-style: chr4-84397827-G-C.
Other names: c.-77C>G (NM_001345962.2); short protein forms Q62E.
Identifiers: ClinVar variation 1799795 (VCV001799795.2), dbSNP rs2529452328, ClinGen allele CA357261604.